The following is an entry in ClinVar:

ClinVar aggregate classification (germline): Uncertain significance (1 of 4 stars; one submission).

Conditions:
Catecholaminergic polymorphic ventricular tachycardia 1. Also called: VENTRICULAR TACHYCARDIA, STRESS-INDUCED POLYMORPHIC 1; VENTRICULAR TACHYCARDIA, CATECHOLAMINERGIC POLYMORPHIC, 1, WITH OR WITHOUT ATRIAL DYSFUNCTION AND/OR DILATED CARDIOMYOPATHY; RYR2-Related Catecholaminergic Polymorphic Ventricular Tachycardia. Identifiers: Orphanet 3286, MedGen C1631597, MONDO:0011484, OMIM 604772.

Submission:

Labcorp Genetics (formerly Invitae), Labcorp
Classification: Uncertain significance for Catecholaminergic polymorphic ventricular tachycardia 1. Last evaluated: 2021-11-27. Review status: criteria provided, single submitter. Criteria: Invitae Variant Classification Sherloc (09022015). Collection method: clinical testing. Allele origin: germline.
Comment: This sequence change replaces lysine, which is basic and polar, with threonine, which is neutral and polar, at codon 3723 of the RYR2 protein (p.Lys3723Thr). This variant is not present in population databases (gnomAD no frequency). This variant has not been reported in the literature in individuals affected with RYR2-related conditions. Algorithms developed to predict the effect of missense changes on protein structure and function are either unavailable or do not agree on the potential impact of this missense change (SIFT: "Deleterious"; PolyPhen-2: "Possibly Damaging"; Align-GVGD: "Class C0"). In summary, the available evidence is currently insufficient to determine the role of this variant in disease. Therefore, it has been classified as a Variant of Uncertain Significance.

NM_001035.3(RYR2):c.11168A>C (p.Lys3723Thr)

Gene: RYR2 (ryanodine receptor 2; plus strand). Cytogenetic location: 1q43.
Variant type: single nucleotide variant.
Coding change: c.11168A>C on transcript NM_001035.3 (MANE Select); coding-DNA position 11168, A replaced by C.
Protein change: p.Lys3723Thr; replaces lysine 3723 with threonine.
Molecular consequence: missense variant.
Genome position (GRCh38, 1-based): chr1:237,756,310, A>C. VCF-style: chr1-237756310-A-C. GRCh37 (hg19) VCF-style: chr1-237919610-A-C.
Other names: short protein forms K3723T.
Identifiers: ClinVar variation 1445880 (VCV001445880.7), dbSNP rs2149261830, ClinGen allele CA345425799.